The following is an entry in ClinVar:

ClinVar aggregate classification (germline): Benign/Likely benign. Review status: criteria provided, multiple submitters, no conflicts (2 of 4 stars). 2 submissions from 2 submitters: Benign (1); Likely benign (1). Last evaluated 2026-02-18.

Conditions:
KIF12-related disorder. Also called: KIF12-related condition.

Allele frequency attached by ClinVar (database versions not stated): gnomAD exomes 0.00011; ExAC 0.00071; 1000 Genomes Project 0.00100; gnomAD 0.00101; 1000 Genomes Project 30x 0.00109; TOPMed 0.00114; ESP Exome Variant Server 0.00139.
gnomAD v4.1: 311 of 1,570,376 alleles (0.02%); highest among the groups gnomAD compares: African/African-American, 0.32%; no homozygotes.

Submissions (2):

PreventionGenetics, part of Exact Sciences
Classification: Likely benign for KIF12-related condition. Last evaluated: 2026-02-18. Review status: criteria provided, single submitter. Criteria: ACMG Guidelines, 2015. Collection method: clinical testing. Allele origin: germline.
Comment: This variant is classified as likely benign based on ACMG/AMP sequence variant interpretation guidelines (Richards et al. 2015 PMID: 25741868, with internal and published modifications).

Labcorp Genetics (formerly Invitae), Labcorp
Classification: Benign. Last evaluated: 2025-12-16. Review status: criteria provided, single submitter. Criteria: Invitae Variant Classification Sherloc (09022015). Collection method: clinical testing. Allele origin: germline.

NM_001388308.1(KIF12):c.1455G>A (p.Pro485=)

Gene: KIF12 (kinesin family member 12; minus strand). Cytogenetic location: 9q32.
Variant type: single nucleotide variant.
Coding change: c.1455G>A on transcript NM_001388308.1 (MANE Select); coding-DNA position 1455, G replaced by A.
Protein change: p.Pro485=; no amino-acid change (proline 485 retained).
Molecular consequence: synonymous variant.
Genome position (GRCh38, 1-based): chr9:114,093,443, C>T on the plus strand (G>A on the coding strand, the complement: KIF12 is on the minus strand). VCF-style: chr9-114093443-C-T. GRCh37 (hg19) VCF-style: chr9-116855723-C-T.
Other names: c.1041G>A, p.Pro347= (NM_138424.2); c.1041G>A (NM_138424.1).
Identifiers: ClinVar variation 2907514 (VCV002907514.4), dbSNP rs150940732, ClinGen allele CA5200484.